The following is an entry in ClinVar:

ClinVar aggregate classification (germline): Conflicting classifications of pathogenicity. Review status: criteria provided, conflicting classifications (1 of 4 stars). 4 submissions from 4 submitters: Uncertain significance (3); Benign (1). Last evaluated 2026-06-15.

Conditions:
Familial thoracic aortic aneurysm and aortic dissection (TAAD). Also called: Thoracic aortic aneurysms and dissections. Identifiers: Orphanet 91387, MedGen C4707243, MONDO:0019625.
Heterotopia, periventricular, X-linked dominant (PVNH1). Also called: PERIVENTRICULAR NODULAR HETEROTOPIA 1; X-linked periventricular heterotopia; PERIVENTRICULAR NODULAR HETEROTOPIA 4; HETEROTOPIA, PERIVENTRICULAR, 1. Identifiers: Orphanet 2149, Orphanet 82004, MedGen C1848213, MONDO:0010233, OMIM 300049.
Oto-palato-digital syndrome, type II (OPD2). Also called: Otopalatodigital Syndrome Type 2 (FLNA-OPD2); Otopalatodigital Syndrome, Type II; OPD II SYNDROME; FACIOPALATOOSSEOUS SYNDROME. Identifiers: Orphanet 669, Orphanet 90652, MedGen C1844696, MONDO:0010571, OMIM 304120.
Frontometaphyseal dysplasia (FMD1). Identifiers: Orphanet 1826, MedGen C0265293, MONDO:0015942.
Melnick-Needles syndrome (MNS). Also called: Melnick-Needles Syndrome (FLNA-MNS); MELNICK-NEEDLES OSTEODYSPLASTY; OSTEODYSPLASTY OF MELNICK AND NEEDLES. Identifiers: Orphanet 2484, MedGen C0025237, MONDO:0010650, OMIM 309350.

Allele frequency attached by ClinVar (database versions not stated): gnomAD exomes below 0.00001 and 0.00001; TOPMed 0.00002.
gnomAD v4.1: 4 of 1,210,875 alleles (0.00033%); highest among the groups gnomAD compares: Admixed American, 0.0065%; no homozygotes.

Submissions (4):

Ambry Genetics
Classification: Uncertain significance for Familial thoracic aortic aneurysm and aortic dissection. Last evaluated: 2026-06-15. Review status: criteria provided, single submitter. Criteria: Ambry Variant Classification Scheme 2023. Collection method: clinical testing. Allele origin: germline.
Comment: The p.E1038K variant (also known as c.3112G>A), located in coding exon 20 of the FLNA gene, results from a G to A substitution at nucleotide position 3112. The glutamic acid at codon 1038 is replaced by lysine, an amino acid with similar properties. This amino acid position is conserved. In addition, this alteration is predicted to be tolerated by in silico analysis. Based on the available evidence, the clinical significance of this variant remains unclear.

Labcorp Genetics (formerly Invitae), Labcorp
Classification: Benign for Oto-palato-digital syndrome, type II; Heterotopia, periventricular, X-linked dominant; Frontometaphyseal dysplasia; Melnick-Needles syndrome. Last evaluated: 2025-06-03. Review status: criteria provided, single submitter. Criteria: Invitae Variant Classification Sherloc (09022015). Collection method: clinical testing. Allele origin: germline.

ARUP Laboratories, Molecular Genetics and Genomics, ARUP Laboratories
Classification: Uncertain significance. Last evaluated: 2025-02-13. Review status: criteria provided, single submitter. Criteria: ARUP Molecular Germline Variant Investigation Process 2024. Collection method: clinical testing. Allele origin: germline.
Comment: The FLNA c.3112G>A; p.Glu1038Lys variant (rs1187268269), to our knowledge, is not reported in the medical literature but is reported in ClinVar (Variation ID: 533581). This variant is only observed on two alleles in the Genome Aggregation Database (v2.1.1), indicating it is not a common polymorphism. Computational analyses are uncertain whether this variant is neutral or deleterious (REVEL: 0.349). Due to limited information, the clinical significance of this variant is uncertain at this time.

GeneDx
Classification: Uncertain significance. Last evaluated: 2024-03-10. Review status: criteria provided, single submitter. Criteria: GeneDx Variant Classification Process June 2021. Collection method: clinical testing. Allele origin: germline. Affected: yes.
Comment: Has not been previously published as pathogenic or benign to our knowledge; In silico analysis supports that this missense variant has a deleterious effect on protein structure/function

NM_001110556.2(FLNA):c.3112G>A (p.Glu1038Lys)

Gene: FLNA (filamin A; minus strand). Cytogenetic location: Xq28.
Variant type: single nucleotide variant.
Coding change: c.3112G>A on transcript NM_001110556.2 (MANE Select); coding-DNA position 3112, G replaced by A.
Protein change: p.Glu1038Lys; replaces glutamic acid 1038 with lysine.
Molecular consequence: missense variant.
Genome position (GRCh38, 1-based): chrX:154,361,403, C>T on the plus strand (G>A on the coding strand, the complement: FLNA is on the minus strand). VCF-style: chrX-154361403-C-T. GRCh37 (hg19) VCF-style: chrX-153589771-C-T.
Other names: c.3112G>A, p.Glu1038Lys (NM_001456.4); short protein forms E1038K.
Identifiers: ClinVar variation 533581 (VCV000533581.11), dbSNP rs1187268269, ClinGen allele CA415230375.
Genomic context (GRCh38, chrX:154,361,403, plus strand): 5'-GAAAGGGGCTGCCAGGCACGGGCACGCCGTCATAGGTCACCTCCACCTCATAGGGCCCTT[C>T]CTCACGGGGCAGGAAGCGCACCACACTGTTGTCAGCCCCCAGGCCTGGCTCCACCTTGCA-3'
Protein context (NP_001104026.1, residues 1028-1048): NSVVRFLPRE[Glu1038Lys]GPYEVEVTYD